The following is an entry in ClinVar:

NM_017739.4(POMGNT1):c.373C>G (p.Arg125Gly)

Genes: POMGNT1 (protein O-linked mannose N-acetylglucosaminyltransferase 1 (beta 1,2-); minus strand), TSPAN1 (tetraspanin 1; plus strand). Cytogenetic location: 1p34.1.
Variant type: single nucleotide variant.
Coding change: c.373C>G on transcript NM_017739.4 (MANE Select); coding-DNA position 373, C replaced by G.
Protein change: p.Arg125Gly; replaces arginine 125 with glycine.
Molecular consequence: missense variant. On other transcripts: 5 prime UTR variant (1).
Genome position (GRCh38, 1-based): chr1:46,196,059, G>C on the plus strand (C>G on the coding strand, the complement: POMGNT1 is on the minus strand). VCF-style: chr1-46196059-G-C. GRCh37 (hg19) VCF-style: chr1-46661731-G-C.
Other names: c.373C>G, p.Arg125Gly (NM_001243766.2, NM_001410783.1); c.307C>G, p.Arg103Gly (NM_001290129.3); c.-57C>G (NM_001290130.2); short protein forms R103G, R125G.
Identifiers: ClinVar variation 2195191 (VCV002195191.1), dbSNP rs201665944, ClinGen allele CA833759.

ClinVar aggregate classification (germline): Uncertain significance (1 of 4 stars; one submission).

Conditions:
Autosomal recessive limb-girdle muscular dystrophy type 2O. Also called: Limb-Girdle Muscular Dystrophy Type 3C; MUSCULAR DYSTROPHY-DYSTROGLYCANOPATHY (LIMB-GIRDLE), TYPE C, 3; MUSCULAR DYSTROPHY-DYSTROGLYCANOPATHY, LIMB-GIRDLE, POMGNT1-RELATED. Identifiers: Orphanet 206564, MedGen C3150417, MONDO:0013161, OMIM 613157.
Muscular dystrophy-dystroglycanopathy (congenital with impaired intellectual development), type B, 3. Also called: Muscular dystrophy-dystroglycanopathy (congenital with intellectual disability), type B3; MUSCULAR DYSTROPHY, CONGENITAL, POMGNT1-RELATED. Identifiers: MedGen C3150412, MONDO:0013155, OMIM 613151.

gnomAD v4.1: 16 of 1,613,788 alleles (0.00099%); highest among the groups gnomAD compares: South Asian, 0.018%; no homozygotes.

Submission:

Labcorp Genetics (formerly Invitae), Labcorp
Classification: Uncertain significance for Autosomal recessive limb-girdle muscular dystrophy type 2O; Muscular dystrophy-dystroglycanopathy (congenital with impaired intellectual development), type B, 3. Last evaluated: 2022-02-19. Review status: criteria provided, single submitter. Criteria: Invitae Variant Classification Sherloc (09022015). Collection method: clinical testing. Allele origin: germline.
Comment: This sequence change replaces arginine, which is basic and polar, with glycine, which is neutral and non-polar, at codon 125 of the POMGNT1 protein (p.Arg125Gly). This variant is present in population databases (rs201665944, gnomAD 0.01%). This missense change has been observed in individual(s) with muscular dystrophy-dystroglycanopathy (PMID: 27604308). Advanced modeling of protein sequence and biophysical properties (such as structural, functional, and spatial information, amino acid conservation, physicochemical variation, residue mobility, and thermodynamic stability) performed at Invitae indicates that this missense variant is not expected to disrupt POMGNT1 protein function. In summary, the available evidence is currently insufficient to determine the role of this variant in disease. Therefore, it has been classified as a Variant of Uncertain Significance.

Literature cited by the submitters: PubMed 27604308.